The following is an entry in ClinVar:

ClinVar aggregate classification (germline): Uncertain significance (1 of 4 stars; one submission).

Conditions:
Immunodeficiency 51 (IMD51). Also called: CANDIDIASIS, FAMILIAL, 5. Identifiers: Orphanet 1334, MedGen C4310803, MONDO:0013500, OMIM 613953.

Allele frequency attached by ClinVar (database versions not stated): gnomAD exomes below 0.00001; gnomAD 0.00001; TOPMed 0.00002.
gnomAD v4.1: 3 of 1,539,720 alleles (0.00019%); highest among the groups gnomAD compares: South Asian, 0.0012%; no homozygotes.

Submission:

Labcorp Genetics (formerly Invitae), Labcorp
Classification: Uncertain significance for Immunodeficiency 51. Last evaluated: 2021-09-01. Review status: criteria provided, single submitter. Criteria: Invitae Variant Classification Sherloc (09022015). Collection method: clinical testing. Allele origin: germline.
Comment: This sequence change replaces glycine with arginine at codon 640 of the IL17RA protein (p.Gly640Arg). The glycine residue is weakly conserved and there is a moderate physicochemical difference between glycine and arginine. The frequency data for this variant in the population databases is considered unreliable, as metrics indicate insufficient coverage at this position in the ExAC database. This variant has not been reported in the literature in individuals affected with IL17RA-related conditions. Algorithms developed to predict the effect of missense changes on protein structure and function output the following: SIFT: "Tolerated"; PolyPhen-2: "Benign"; Align-GVGD: "Class C0". The arginine amino acid residue is found in multiple mammalian species, which suggests that this missense change does not adversely affect protein function. In summary, the available evidence is currently insufficient to determine the role of this variant in disease. Therefore, it has been classified as a Variant of Uncertain Significance.

NM_014339.7(IL17RA):c.1918G>A (p.Gly640Arg)

Gene: IL17RA (interleukin 17 receptor A; plus strand). Cytogenetic location: 22q11.1.
Variant type: single nucleotide variant.
Coding change: c.1918G>A on transcript NM_014339.7 (MANE Select); coding-DNA position 1918, G replaced by A.
Protein change: p.Gly640Arg; replaces glycine 640 with arginine.
Molecular consequence: missense variant.
Genome position (GRCh38, 1-based): chr22:17,109,137, G>A. VCF-style: chr22-17109137-G-A. GRCh37 (hg19) VCF-style: chr22-17590027-G-A.
Other names: c.1816G>A, p.Gly606Arg (NM_001289905.2); short protein forms G640R, G606R.
Identifiers: ClinVar variation 542915 (VCV000542915.6), dbSNP rs1221696207, ClinGen allele CA410219464.